The following is an entry in ClinVar:

ClinVar aggregate classification (germline): Uncertain significance (1 of 4 stars; one submission).

Conditions:
Gamma-aminobutyric acid transaminase deficiency (GABATD). Also called: GABA transaminase deficiency; Gamma aminobutyrate transaminase deficiency; 4 alpha aminobutyrate transaminase deficiency; GABA aminotransaminase deficiency. Identifiers: Orphanet 2066, MedGen C0342708, MONDO:0013166, OMIM 613163.

gnomAD v4.1: 16 of 1,613,334 alleles (0.00099%); highest among the groups gnomAD compares: African/African-American, 0.0027%; no homozygotes.

Submission:

Labcorp Genetics (formerly Invitae), Labcorp
Classification: Uncertain significance for Gamma-aminobutyric acid transaminase deficiency. Last evaluated: 2025-02-25. Review status: criteria provided, single submitter. Criteria: Invitae Variant Classification Sherloc (09022015). Collection method: clinical testing. Allele origin: germline.
Comment: This sequence change replaces arginine, which is basic and polar, with tryptophan, which is neutral and slightly polar, at codon 144 of the ABAT protein (p.Arg144Trp). This variant is present in population databases (no rsID available, gnomAD 0.003%). This variant has not been reported in the literature in individuals affected with ABAT-related conditions. Invitae Evidence Modeling of protein sequence and biophysical properties (such as structural, functional, and spatial information, amino acid conservation, physicochemical variation, residue mobility, and thermodynamic stability) indicates that this missense variant is not expected to disrupt ABAT protein function with a negative predictive value of 80%. In summary, the available evidence is currently insufficient to determine the role of this variant in disease. Therefore, it has been classified as a Variant of Uncertain Significance.

NM_020686.6(ABAT):c.430C>T (p.Arg144Trp)

Gene: ABAT (4-aminobutyrate aminotransferase; plus strand). Cytogenetic location: 16p13.2.
Variant type: single nucleotide variant.
Coding change: c.430C>T on transcript NM_020686.6 (MANE Select); coding-DNA position 430, C replaced by T.
Protein change: p.Arg144Trp; replaces arginine 144 with tryptophan.
Molecular consequence: missense variant.
Genome position (GRCh38, 1-based): chr16:8,764,132, C>T. VCF-style: chr16-8764132-C-T. GRCh37 (hg19) VCF-style: chr16-8857989-C-T.
Other names: c.430C>T, p.Arg144Trp (NM_000663.5, NM_001127448.2, NM_001386600.1 and 10 more transcripts); c.295C>T, p.Arg99Trp (NM_001386610.1, NM_001386611.1, NM_001386612.1 and 1 more transcripts); c.184C>T, p.Arg62Trp (NM_001386614.1); c.526C>T, p.Arg176Trp (NM_001386615.1); short protein forms R144W, R176W, R62W, R99W.
Identifiers: ClinVar variation 4811278 (VCV004811278.1).